The following is an entry in ClinVar:

NM_018451.5(CPAP):c.2395T>C (p.Trp799Arg)

Gene: CPAP (centrosome assembly and centriole elongation protein; minus strand). Cytogenetic location: 13q12.13.
Variant type: single nucleotide variant.
Coding change: c.2395T>C on transcript NM_018451.5 (MANE Select); coding-DNA position 2395, T replaced by C.
Protein change: p.Trp799Arg; replaces tryptophan 799 with arginine.
Molecular consequence: missense variant. On other transcripts: non-coding transcript variant (2).
Genome position (GRCh38, 1-based): chr13:24,905,643, A>G on the plus strand (T>C on the coding strand, the complement: CPAP is on the minus strand). VCF-style: chr13-24905643-A-G. GRCh37 (hg19) VCF-style: chr13-25479781-A-G.
Other names: short protein forms W799R.
Identifiers: ClinVar variation 1370082 (VCV001370082.6), dbSNP rs1405701617, ClinGen allele CA387585106.
Genomic context (GRCh38, chr13:24,905,643, plus strand): 5'-AAGTGGATTCATTCCCAAGAACAACATCATGGTTACACAAATTCTCTTCAAGGTCAGTCC[A>G]AGTTCTTTCATCATCAAAGTCCATTTTACTCAGACTTAGGGATGAGGATCTCGAGGGCTC-3'
Protein context (NP_060921.3, residues 789-809): SKMDFDDERT[Trp799Arg]TDLEENLCNH

ClinVar aggregate classification (germline): Uncertain significance (1 of 4 stars; one submission).

Allele frequency attached by ClinVar (database versions not stated): gnomAD exomes below 0.00001.
gnomAD v4.1: 6 of 1,614,212 alleles (0.00037%); highest among the groups gnomAD compares: Non-Finnish European, 0.00051%; no homozygotes.

Submission:

Labcorp Genetics (formerly Invitae), Labcorp
Classification: Uncertain significance. Last evaluated: 2022-08-09. Review status: criteria provided, single submitter. Criteria: Invitae Variant Classification Sherloc (09022015). Collection method: clinical testing. Allele origin: germline.
Comment: In summary, the available evidence is currently insufficient to determine the role of this variant in disease. Therefore, it has been classified as a Variant of Uncertain Significance. Algorithms developed to predict the effect of missense changes on protein structure and function are either unavailable or do not agree on the potential impact of this missense change (SIFT: "Deleterious"; PolyPhen-2: "Probably Damaging"; Align-GVGD: "Class C0"). ClinVar contains an entry for this variant (Variation ID: 1370082). This variant has not been reported in the literature in individuals affected with CENPJ-related conditions. This variant is present in population databases (no rsID available, gnomAD 0.0009%). This sequence change replaces tryptophan, which is neutral and slightly polar, with arginine, which is basic and polar, at codon 799 of the CENPJ protein (p.Trp799Arg).